The following is an entry in ClinVar:

ClinVar aggregate classification (germline): Pathogenic/Likely pathogenic. Review status: criteria provided, multiple submitters, no conflicts (2 of 4 stars). 3 submissions from 3 submitters: Pathogenic (1); Likely pathogenic (1). 1 of the submissions does not count toward it. Last evaluated 2019-02-18.

Conditions:
Infantile hypotonia-oculomotor anomalies-hyperkinetic movements-developmental delay syndrome. Also called: BAKER-GORDON SYNDROME; NEURODEVELOPMENTAL DISORDER WITH INVOLUNTARY MOVEMENT AND ABNORMAL ELECTROENCEPHALOGRAM. Identifiers: Orphanet 522077, MedGen C4748715, MONDO:0033864, OMIM 618218.
SYT1-associated neurodevelopmental disorder.

Submissions (3):

SIB Swiss Institute of Bioinformatics
Classification: Likely pathogenic for Infantile hypotonia-oculomotor anomalies-hyperkinetic movements-developmental delay syndrome. Last evaluated: 2019-02-18. Review status: criteria provided, single submitter. Criteria: ACMG Guidelines, 2015. Collection method: curation. Allele origin: unknown.
Comment: This variant is interpreted as a Likely pathogenic for Baker-Gordon syndrome, autosomal dominant. The following ACMG Tag(s) were applied: PM2: Absent from controls (or at extremely low frequency if recessive) in Exome Sequencing Project, 1000 Genomes Project, or Exome Aggregation Consortium. PM6: Assumed de novo, but without confirmation of paternity and maternity. PS3-Moderate: Well-established functional studies show a deleterious effect (downgraded to Moderate). PM1: Located in a mutational hot spot and/or critical and well-established functional domain (e.g., active site of an enzyme) without benign variation. PP3: Multiple lines of computational evidence support a deleterious effect on the gene or gene product.

Raymond Lab, University of Cambridge
Classification: Pathogenic for SYT1-associated neurodevelopmental disorder. Last evaluated: 2018-07-01. Review status: criteria provided, single submitter. Criteria: ACMG Guidelines, 2015. Collection method: research. Allele origin: de novo. Affected: yes. Observed: 2 variant alleles.

OMIM
Classification: Pathogenic for BAKER-GORDON SYNDROME. Last evaluated: 2018-12-12. Review status: no assertion criteria provided. Collection method: literature only. Allele origin: germline. Not counted in ClinVar's aggregate classification.

Literature cited by the submitters: PubMed 30107533 (cited by 3 submitters).

NM_005639.3(SYT1):c.1113C>G (p.Asn371Lys)

Gene: SYT1 (synaptotagmin 1; plus strand). Cytogenetic location: 12q21.2.
Variant type: single nucleotide variant.
Coding change: c.1113C>G on transcript NM_005639.3 (MANE Select); coding-DNA position 1113, C replaced by G.
Protein change: p.Asn371Lys; replaces asparagine 371 with lysine.
Molecular consequence: missense variant.
Genome position (GRCh38, 1-based): chr12:79,448,968, C>G. VCF-style: chr12-79448968-C-G. GRCh37 (hg19) VCF-style: chr12-79842748-C-G.
Other names: c.1104C>G, p.Asn368Lys (NM_001291901.2); c.1113C>G, p.Asn371Lys (NM_001135805.2, NM_001135806.2); short protein forms N371K, N368K.
Identifiers: ClinVar variation 590281 (VCV000590281.2), dbSNP rs144900171, ClinGen allele CA385931899.